The following is an entry in ClinVar:

NM_000066.4(C8B):c.784G>A (p.Gly262Arg)

Gene: C8B (complement C8 beta chain; minus strand). Cytogenetic location: 1p32.2.
Variant type: single nucleotide variant.
Coding change: c.784G>A on transcript NM_000066.4 (MANE Select); coding-DNA position 784, G replaced by A.
Protein change: p.Gly262Arg; replaces glycine 262 with arginine.
Molecular consequence: missense variant.
Genome position (GRCh38, 1-based): chr1:56,949,635, C>T on the plus strand (G>A on the coding strand, the complement: C8B is on the minus strand). VCF-style: chr1-56949635-C-T. GRCh37 (hg19) VCF-style: chr1-57415308-C-T.
Other names: c.628G>A, p.Gly210Arg (NM_001278543.2); c.598G>A, p.Gly200Arg (NM_001278544.2); short protein forms G200R, G210R, G262R.
Identifiers: ClinVar variation 4800738 (VCV004800738.1).

ClinVar aggregate classification (germline): Uncertain significance (1 of 4 stars; one submission).

Submission:

Labcorp Genetics (formerly Invitae), Labcorp
Classification: Uncertain significance. Last evaluated: 2025-03-20. Review status: criteria provided, single submitter. Criteria: Invitae Variant Classification Sherloc (09022015). Collection method: clinical testing. Allele origin: germline.
Comment: This sequence change replaces glycine, which is neutral and non-polar, with arginine, which is basic and polar, at codon 262 of the C8B protein (p.Gly262Arg). This variant is not present in population databases (gnomAD no frequency). This variant has not been reported in the literature in individuals affected with C8B-related conditions. An algorithm developed to predict the effect of missense changes on protein structure and function (PolyPhen-2) suggests that this variant is likely to be tolerated. In summary, the available evidence is currently insufficient to determine the role of this variant in disease. Therefore, it has been classified as a Variant of Uncertain Significance.